The following is an entry in ClinVar:

ClinVar aggregate classification (germline): Uncertain significance. Review status: criteria provided, multiple submitters, no conflicts (2 of 4 stars). 3 submissions from 3 submitters: Uncertain significance (3). Last evaluated 2026-01-05.

Conditions:
Hereditary cancer-predisposing syndrome. Also called: Neoplastic Syndromes, Hereditary; Tumor predisposition; Hereditary Cancer Syndrome; Hereditary neoplastic syndrome. Identifiers: Orphanet 140162, MedGen C0027672, MeSH D009386, MONDO:0015356.
Multiple endocrine neoplasia, type 2 (MEN2). Identifiers: Orphanet 653, MedGen C4048306, MONDO:0019003. Disease mechanism: gain of function.

Allele frequency attached by ClinVar (database versions not stated): gnomAD exomes below 0.00001; ExAC 0.00001.
gnomAD v4.1: 6 of 1,612,798 alleles (0.00037%); highest among the groups gnomAD compares: African/African-American, 0.0013%; no homozygotes.

Submissions (3):

Labcorp Genetics (formerly Invitae), Labcorp
Classification: Uncertain significance for Multiple endocrine neoplasia, type 2. Last evaluated: 2026-01-05. Review status: criteria provided, single submitter. Criteria: Invitae Variant Classification Sherloc (09022015). Collection method: clinical testing. Allele origin: germline.
Comment: This sequence change replaces serine, which is neutral and polar, with proline, which is neutral and non-polar, at codon 688 of the RET protein (p.Ser688Pro). The frequency data for this variant in the population databases is considered unreliable, as metrics indicate poor data quality at this position in the gnomAD database. This variant has not been reported in the literature in individuals affected with RET-related conditions. ClinVar contains an entry for this variant (Variation ID: 820597). An algorithm developed to predict the effect of missense changes on protein structure and function (PolyPhen-2) suggests that this variant is likely to be disruptive. In summary, the available evidence is currently insufficient to determine the role of this variant in disease. Therefore, it has been classified as a Variant of Uncertain Significance.

All of Us Research Program, National Institutes of Health
Classification: Uncertain significance for Multiple endocrine neoplasia, type 2. Last evaluated: 2024-08-06. Review status: criteria provided, single submitter. Criteria: ACMG Guidelines, 2015. Collection method: clinical testing. Allele origin: germline. Inheritance: Autosomal dominant inheritance. Observed: 2 variant alleles, 2 heterozygotes.
Comment: This missense variant replaces serine with proline at codon 688 of the RET protein. Computational prediction suggests that this variant may not impact protein structure and function (internally defined REVEL score threshold <= 0.5, PMID: 27666373). To our knowledge, functional studies have not been reported for this variant. This variant has not been reported in individuals affected with hereditary cancer in the literature. This variant has not been identified in the general population by the Genome Aggregation Database (gnomAD). The available evidence is insufficient to determine the role of this variant in disease conclusively. Therefore, this variant is classified as a Variant of Uncertain Significance.

This study involves interpretation of variants in research participants for the purpose of population health screening. Participant phenotype was not available at the time of variant classification. Additional details can be found in publication PMID: 35346344, PMCID: PMC8962531

Ambry Genetics
Classification: Uncertain significance for Hereditary cancer-predisposing syndrome. Last evaluated: 2024-04-01. Review status: criteria provided, single submitter. Criteria: Ambry Variant Classification Scheme 2023. Collection method: clinical testing. Allele origin: germline.
Comment: The p.S688P variant (also known as c.2062T>C), located in coding exon 11 of the RET gene, results from a T to C substitution at nucleotide position 2062. The serine at codon 688 is replaced by proline, an amino acid with similar properties. This amino acid position is well conserved in available vertebrate species. In addition, this alteration is predicted to be tolerated by in silico analysis. Since supporting evidence is limited at this time, the clinical significance of this alteration remains unclear.

NM_020975.6(RET):c.2062T>C (p.Ser688Pro)

Gene: RET (ret proto-oncogene; plus strand). Cytogenetic location: 10q11.21.
Variant type: single nucleotide variant.
Coding change: c.2062T>C on transcript NM_020975.6 (MANE Select); coding-DNA position 2062, T replaced by C.
Protein change: p.Ser688Pro; replaces serine 688 with proline.
Molecular consequence: missense variant.
Genome position (GRCh38, 1-based): chr10:43,114,662, T>C. VCF-style: chr10-43114662-T-C. GRCh37 (hg19) VCF-style: chr10-43610110-T-C.
Other names: c.1336T>C, p.Ser446Pro (NM_001406778.1, NM_001406775.1, NM_001406776.1 and 1 more transcripts); c.1165T>C, p.Ser389Pro (NM_001406779.1, NM_001406782.1, NM_001406780.1 and 1 more transcripts); c.1045T>C, p.Ser349Pro (NM_001406785.1); c.1036T>C, p.Ser346Pro (NM_001406783.1, NM_001406786.1); c.1072T>C, p.Ser358Pro (NM_001406784.1); c.2062T>C, p.Ser688Pro (NM_000323.2, NM_001406743.1, NM_001406744.1 and 4 more transcripts); c.1300T>C, p.Ser434Pro (NM_001355216.2); c.1933T>C, p.Ser645Pro (NM_001406761.1, NM_001406762.1, NM_001406764.1); and 10 more; short protein forms S434P, S688P, S293P, S358P, S592P, S645P, S253P, S346P.
Identifiers: ClinVar variation 820597 (VCV000820597.18), dbSNP rs750681372, ClinGen allele CA037169.
Genomic context (GRCh38, chr10:43,114,662, plus strand): 5'-CCCATCTCCTCAGCTGAGATGACCTTCCGGAGGCCCGCCCAGGCCTTCCCGGTCAGCTAC[T>C]CCTCTTCCGGTGCCCGCCGGCCCTCGCTGGACTCCATGGAGAACCAGGTCTCCGTGGATG-3'
Protein context (NP_066124.1, residues 678-698): RPAQAFPVSY[Ser688Pro]SSGARRPSLD